The following is an entry in ClinVar:

NM_001805.4(CEBPE):c.-4G>A

Gene: CEBPE (CCAAT enhancer binding protein epsilon; minus strand). Cytogenetic location: 14q11.2.
Variant type: single nucleotide variant.
Coding change: c.-4G>A on transcript NM_001805.4 (MANE Select); 4 bases upstream of the start codon, G replaced by A.
Molecular consequence: 5 prime UTR variant.
Genome position (GRCh38, 1-based): chr14:23,119,095, C>T on the plus strand (G>A on the coding strand, the complement: CEBPE is on the minus strand). VCF-style: chr14-23119095-C-T. GRCh37 (hg19) VCF-style: chr14-23588304-C-T.
Identifiers: ClinVar variation 3048987 (VCV003048987.3), dbSNP rs562273588, ClinGen allele CA7111326.

ClinVar aggregate classification (germline): Uncertain significance. Review status: criteria provided, single submitter (1 of 4 stars). 2 submissions from 2 submitters: Uncertain significance (1). 1 of the submissions does not count toward it. Last evaluated 2025-03-25.

Conditions:
CEBPE-related disorder. Also called: CEBPE-related condition.

Allele frequency attached by ClinVar (database versions not stated): 1000 Genomes Project 30x 0.00016; 1000 Genomes Project 0.00020; TOPMed 0.00027; gnomAD 0.00036; ExAC 0.00042.
gnomAD v4.1: 939 of 1,590,536 alleles (0.059%); highest among the groups gnomAD compares: Non-Finnish European, 0.073%; 1 homozygote.

Submissions (2):

Women's Health and Genetics/Laboratory Corporation of America, LabCorp
Classification: Uncertain significance. Last evaluated: 2025-03-25. Review status: criteria provided, single submitter. Criteria: LabCorp Variant Classification Summary - May 2015. Collection method: clinical testing. Allele origin: germline.
Comment: Variant summary: CEBPE c.-4G>A is located in the untranslated mRNA region upstream of the initiation codon. The variant allele was found at a frequency of 0.00039 in 215550 control chromosomes. This frequency is not significantly higher than estimated for a pathogenic variant in CEBPE causing Specific granule deficiency 1 AR, allowing no conclusion about variant significance. To our knowledge, no occurrence of c.-4G>A in individuals affected with Specific granule deficiency 1 AR and no experimental evidence demonstrating its impact on protein function have been reported. ClinVar contains an entry for this variant (Variation ID: 3048987). Based on the evidence outlined above, the variant was classified as uncertain significance.

PreventionGenetics, part of Exact Sciences
Classification: Likely benign for CEBPE-related condition. Last evaluated: 2023-10-05. Review status: no assertion criteria provided. Collection method: clinical testing. Allele origin: germline. Not counted in ClinVar's aggregate classification.
Comment: This variant is classified as likely benign based on ACMG/AMP sequence variant interpretation guidelines (Richards et al. 2015 PMID: 25741868, with internal and published modifications).